The following is an entry in ClinVar:

ClinVar aggregate classification (germline): Uncertain significance (1 of 4 stars; one submission).

Conditions:
Amyotrophic lateral sclerosis type 1 (ALS1). Also called: AMYOTROPHIC LATERAL SCLEROSIS 1, FAMILIAL. Identifiers: Orphanet 803, MedGen C1862939, MONDO:0007103, OMIM 105400.
Perry syndrome. Also called: PARKINSONISM WITH ALVEOLAR HYPOVENTILATION AND MENTAL DEPRESSION. Identifiers: Orphanet 178509, MedGen C1868594, MONDO:0008201, OMIM 168605.
Neuronopathy, distal hereditary motor, type 7B. Also called: Distal Hereditary Motor Neuronopathy Type 7B (dHMN7B); NEURONOPATHY, DISTAL HEREDITARY MOTOR, AUTOSOMAL DOMINANT 14; NEURONOPATHY, DISTAL HEREDITARY MOTOR, HARDING TYPE VIIB; NEUROPATHY, DISTAL HEREDITARY MOTOR, HARDING TYPE VIIB; NEUROPATHY, DISTAL HEREDITARY MOTOR, WITH VOCAL CORD PARALYSIS, HARDING TYPE VIIB; HMN VIIB. Identifiers: Orphanet 139589, MedGen C1843315, MONDO:0011879, OMIM 607641.

Submission:

Labcorp Genetics (formerly Invitae), Labcorp
Classification: Uncertain significance for Amyotrophic lateral sclerosis type 1; Neuronopathy, distal hereditary motor, type 7B; Perry syndrome. Last evaluated: 2022-06-10. Review status: criteria provided, single submitter. Criteria: Invitae Variant Classification Sherloc (09022015). Collection method: clinical testing. Allele origin: germline.
Comment: In summary, the available evidence is currently insufficient to determine the role of this variant in disease. Therefore, it has been classified as a Variant of Uncertain Significance. Algorithms developed to predict the effect of missense changes on protein structure and function are either unavailable or do not agree on the potential impact of this missense change (SIFT: "Deleterious"; PolyPhen-2: "Benign"; Align-GVGD: "Class C65"). This variant has not been reported in the literature in individuals affected with DCTN1-related conditions. This variant is not present in population databases (gnomAD no frequency). This sequence change replaces proline, which is neutral and non-polar, with arginine, which is basic and polar, at codon 881 of the DCTN1 protein (p.Pro881Arg).

NM_004082.5(DCTN1):c.2642C>G (p.Pro881Arg)

Gene: DCTN1 (dynactin subunit 1; minus strand). Cytogenetic location: 2p13.1.
Variant type: single nucleotide variant.
Coding change: c.2642C>G on transcript NM_004082.5 (MANE Select); coding-DNA position 2642, C replaced by G.
Protein change: p.Pro881Arg; replaces proline 881 with arginine.
Molecular consequence: missense variant. On other transcripts: non-coding transcript variant (1).
Genome position (GRCh38, 1-based): chr2:74,366,362, G>C on the plus strand (C>G on the coding strand, the complement: DCTN1 is on the minus strand). VCF-style: chr2-74366362-G-C. GRCh37 (hg19) VCF-style: chr2-74593489-G-C.
Other names: c.2582C>G, p.Pro861Arg (NM_001135040.3); c.2240C>G, p.Pro747Arg (NM_001135041.3, NM_023019.4); c.2531C>G, p.Pro844Arg (NM_001190836.2); c.2621C>G, p.Pro874Arg (NM_001190837.2); c.2591C>G, p.Pro864Arg (NM_001378991.1); c.2573C>G, p.Pro858Arg (NM_001378992.1); short protein forms P861R, P864R, P874R, P747R, P844R, P858R, P881R.
Identifiers: ClinVar variation 2004283 (VCV002004283.4), dbSNP rs1674410517, ClinGen allele CA347345670.